The following is an entry in ClinVar:

NM_003803.4(MYOM1):c.1670C>T (p.Ser557Leu)

Gene: MYOM1 (myomesin 1; minus strand). Cytogenetic location: 18p11.31.
Variant type: single nucleotide variant.
Coding change: c.1670C>T on transcript NM_003803.4 (MANE Select); coding-DNA position 1670, C replaced by T.
Protein change: p.Ser557Leu; replaces serine 557 with leucine.
Molecular consequence: missense variant.
Genome position (GRCh38, 1-based): chr18:3,151,867, G>A on the plus strand (C>T on the coding strand, the complement: MYOM1 is on the minus strand). VCF-style: chr18-3151867-G-A. GRCh37 (hg19) VCF-style: chr18-3151865-G-A.
Other names: c.1670C>T (NM_003803.3); c.1670C>T, p.Ser557Leu (NM_019856.2); short protein forms S557L.
Identifiers: ClinVar variation 1377858 (VCV001377858.9), dbSNP rs138551719, ClinGen allele CA8874882.

ClinVar aggregate classification (germline): Uncertain significance. Review status: criteria provided, multiple submitters, no conflicts (2 of 4 stars). 2 submissions from 2 submitters: Uncertain significance (2). Last evaluated 2025-08-16.

Conditions:
Hypertrophic cardiomyopathy. Also called: HYPERTROPHIC MYOCARDIOPATHY. Identifiers: Orphanet 217569, MedGen C0007194, MeSH D002312, MONDO:0005045, HP:0001639.

Allele frequency attached by ClinVar (database versions not stated): gnomAD 0.00001 and 0.00002; TOPMed 0.00004; gnomAD exomes 0.00005; ExAC 0.00007; 1000 Genomes Project 30x 0.00016; 1000 Genomes Project 0.00020.
gnomAD v4.1: 51 of 1,612,826 alleles (0.0032%); highest among the groups gnomAD compares: East Asian, 0.094%; no homozygotes.

Submissions (2):

Labcorp Genetics (formerly Invitae), Labcorp
Classification: Uncertain significance for Hypertrophic cardiomyopathy. Last evaluated: 2025-08-16. Review status: criteria provided, single submitter. Criteria: Invitae Variant Classification Sherloc (09022015). Collection method: clinical testing. Allele origin: germline.
Comment: This sequence change replaces serine, which is neutral and polar, with leucine, which is neutral and non-polar, at codon 557 of the MYOM1 protein (p.Ser557Leu). This variant is present in population databases (rs138551719, gnomAD 0.05%). This variant has not been reported in the literature in individuals affected with MYOM1-related conditions. ClinVar contains an entry for this variant (Variation ID: 1377858). Invitae Evidence Modeling of protein sequence and biophysical properties (such as structural, functional, and spatial information, amino acid conservation, physicochemical variation, residue mobility, and thermodynamic stability) indicates that this missense variant is not expected to disrupt MYOM1 protein function with a negative predictive value of 80%. In summary, the available evidence is currently insufficient to determine the role of this variant in disease. Therefore, it has been classified as a Variant of Uncertain Significance.

Ambry Genetics
Classification: Uncertain significance. Last evaluated: 2025-05-29. Review status: criteria provided, single submitter. Criteria: Ambry Variant Classification Scheme 2023. Collection method: clinical testing. Allele origin: germline.